The following is an entry in ClinVar:

ClinVar aggregate classification (germline): Uncertain significance (1 of 4 stars; one submission).

Conditions:
Early-infantile DEE. Also called: Ohtahara syndrome; Early infantile epileptic encephalopathy; Early infantile epileptic encephalopathy with suppression bursts. Identifiers: Orphanet 1934, MedGen C0393706, MONDO:0800491.

Submission:

Labcorp Genetics (formerly Invitae), Labcorp
Classification: Uncertain significance for Early-infantile DEE. Last evaluated: 2023-11-03. Review status: criteria provided, single submitter. Criteria: Invitae Variant Classification Sherloc (09022015). Collection method: clinical testing. Allele origin: germline.
Comment: This sequence change replaces leucine, which is neutral and non-polar, with isoleucine, which is neutral and non-polar, at codon 1531 of the SCN8A protein (p.Leu1531Ile). This variant is not present in population databases (gnomAD no frequency). This variant has not been reported in the literature in individuals affected with SCN8A-related conditions. Advanced modeling of protein sequence and biophysical properties (such as structural, functional, and spatial information, amino acid conservation, physicochemical variation, residue mobility, and thermodynamic stability) performed at Invitae indicates that this missense variant is expected to disrupt SCN8A protein function with a positive predictive value of 80%. In summary, the available evidence is currently insufficient to determine the role of this variant in disease. Therefore, it has been classified as a Variant of Uncertain Significance.

NM_001330260.2(SCN8A):c.4591C>A (p.Leu1531Ile)

Gene: SCN8A (sodium voltage-gated channel alpha subunit 8; plus strand). Cytogenetic location: 12q13.13.
Variant type: single nucleotide variant.
Coding change: c.4591C>A on transcript NM_001330260.2 (MANE Select); coding-DNA position 4591, C replaced by A.
Protein change: p.Leu1531Ile; replaces leucine 1531 with isoleucine.
Molecular consequence: missense variant.
Genome position (GRCh38, 1-based): chr12:51,794,437, C>A. VCF-style: chr12-51794437-C-A. GRCh37 (hg19) VCF-style: chr12-52188221-C-A.
Other names: c.4468C>A, p.Leu1490Ile (NM_001177984.3, NM_001369788.1); c.4591C>A, p.Leu1531Ile (NM_014191.4); short protein forms L1490I, L1531I.
Identifiers: ClinVar variation 2764252 (VCV002764252.3), dbSNP rs1592167109, ClinGen allele CA384878751.